The following is an entry in ClinVar:

ClinVar aggregate classification (germline): Benign/Likely benign. Review status: criteria provided, multiple submitters, no conflicts (2 of 4 stars). 4 submissions from 4 submitters: Benign (1); Likely benign (3). Last evaluated 2026-02-01.

Conditions:
Hereditary cancer-predisposing syndrome. Also called: Neoplastic Syndromes, Hereditary; Hereditary neoplastic syndrome; Tumor predisposition; Hereditary Cancer Syndrome. Identifiers: Orphanet 140162, MedGen C0027672, MeSH D009386, MONDO:0015356.
Birt-Hogg-Dube syndrome. Also called: Birt Hogg Dubé syndrome. Identifiers: Orphanet 122, MedGen C0346010, MONDO:0800444.
Birt-Hogg-Dube syndrome 1 (BHD1). Also called: FIBROFOLLICULOMAS WITH TRICHODISCOMAS AND ACROCHORDONS. Identifiers: Orphanet 122, MedGen CN375946, MONDO:0800445, OMIM 135150.

Allele frequency attached by ClinVar (database versions not stated): gnomAD exomes 0.00001; TOPMed 0.00001; gnomAD 0.00002.
gnomAD v4.1: 7 of 1,613,956 alleles (0.00043%); highest among the groups gnomAD compares: Admixed American, 0.0067%; no homozygotes.

Submissions (4):

Labcorp Genetics (formerly Invitae), Labcorp
Classification: Likely benign for Birt-Hogg-Dube syndrome. Last evaluated: 2026-02-01. Review status: criteria provided, single submitter. Criteria: Invitae Variant Classification Sherloc (09022015). Collection method: clinical testing. Allele origin: germline.

Center for Genomic Medicine, Rigshospitalet, Copenhagen University Hospital
Classification: Likely benign. Last evaluated: 2025-03-04. Review status: criteria provided, single submitter. Criteria: ACMG Guidelines, 2015. Collection method: clinical testing. Allele origin: germline.

Myriad Genetics, Inc.
Classification: Benign for Birt-Hogg-Dube syndrome 1. Last evaluated: 2024-10-24. Review status: criteria provided, single submitter. Criteria: Myriad Autosomal Dominant, Autosomal Recessive and X-Linked Classification Criteria (2023). Collection method: clinical testing. Allele origin: unknown.
Comment: This variant is considered benign. This variant is a silent/synonymous amino acid change and it is not expected to impact splicing.

Ambry Genetics
Classification: Likely benign for Hereditary cancer-predisposing syndrome. Last evaluated: 2020-02-07. Review status: criteria provided, single submitter. Criteria: Ambry Variant Classification Scheme 2023. Collection method: clinical testing. Allele origin: germline.

NM_144997.7(FLCN):c.1101C>T (p.His367=)

Gene: FLCN (folliculin; minus strand). Cytogenetic location: 17p11.2.
Variant type: single nucleotide variant.
Coding change: c.1101C>T on transcript NM_144997.7 (MANE Select); coding-DNA position 1101, C replaced by T.
Protein change: p.His367=; no amino-acid change (histidine 367 retained).
Molecular consequence: synonymous variant.
Genome position (GRCh38, 1-based): chr17:17,217,144, G>A on the plus strand (C>T on the coding strand, the complement: FLCN is on the minus strand). VCF-style: chr17-17217144-G-A. GRCh37 (hg19) VCF-style: chr17-17120458-G-A.
Other names: c.1155C>T, p.His385= (NM_001353229.2); c.1101C>T, p.His367= (NM_001353230.2, NM_001353231.2).
Identifiers: ClinVar variation 775049 (VCV000775049.19), dbSNP rs1451481907, ClinGen allele CA498163393.